The following is an entry in ClinVar:

NM_021831.6(AGBL5):c.2453G>A (p.Ser818Asn)

Gene: AGBL5 (AGBL carboxypeptidase 5; plus strand). Cytogenetic location: 2p23.3.
Variant type: single nucleotide variant.
Coding change: c.2453G>A on transcript NM_021831.6 (MANE Select); coding-DNA position 2453, G replaced by A.
Protein change: p.Ser818Asn; replaces serine 818 with asparagine.
Molecular consequence: missense variant. On other transcripts: non-coding transcript variant (2).
Genome position (GRCh38, 1-based): chr2:27,069,670, G>A. VCF-style: chr2-27069670-G-A. GRCh37 (hg19) VCF-style: chr2-27292538-G-A.
Other names: short protein forms S818N.
Identifiers: ClinVar variation 1412565 (VCV001412565.7), dbSNP rs769496934, ClinGen allele CA1568261.
Genomic context (GRCh38, chr2:27,069,670, plus strand): 5'-GCAGAGGGATGAAAGGCTCTTCAGGCCCCACATCCCCTACCCCCCGGACCAGGGAGAGCA[G>A]TGAGCTGGAGCTGGGATCCTGCTCTGCTACACCAGGGTGAGCACTTGGGTCCAGTCCCTC-3'
Protein context (NP_068603.4, residues 808-828): TSPTPRTRES[Ser818Asn]ELELGSCSAT

ClinVar aggregate classification (germline): Uncertain significance (1 of 4 stars; one submission).

Allele frequency attached by ClinVar (database versions not stated): gnomAD exomes 0.00002; ExAC 0.00004.

Submission:

Labcorp Genetics (formerly Invitae), Labcorp
Classification: Uncertain significance. Last evaluated: 2022-05-20. Review status: criteria provided, single submitter. Criteria: Invitae Variant Classification Sherloc (09022015). Collection method: clinical testing. Allele origin: germline.
Comment: In summary, the available evidence is currently insufficient to determine the role of this variant in disease. Therefore, it has been classified as a Variant of Uncertain Significance. Algorithms developed to predict the effect of missense changes on protein structure and function output the following: SIFT: "Tolerated"; PolyPhen-2: "Benign"; Align-GVGD: "Class C0". The asparagine amino acid residue is found in multiple mammalian species, which suggests that this missense change does not adversely affect protein function. This variant has not been reported in the literature in individuals affected with AGBL5-related conditions. This variant is present in population databases (rs769496934, gnomAD 0.004%). This sequence change replaces serine, which is neutral and polar, with asparagine, which is neutral and polar, at codon 818 of the AGBL5 protein (p.Ser818Asn).